The following is an entry in ClinVar:

NM_000089.4(COL1A2):c.2330G>A (p.Arg777His)

Gene: COL1A2 (collagen type I alpha 2 chain; plus strand). Cytogenetic location: 7q21.3.
Variant type: single nucleotide variant.
Coding change: c.2330G>A on transcript NM_000089.4 (MANE Select); coding-DNA position 2330, G replaced by A.
Protein change: p.Arg777His; replaces arginine 777 with histidine.
Molecular consequence: missense variant.
Genome position (GRCh38, 1-based): chr7:94,421,043, G>A. VCF-style: chr7-94421043-G-A. GRCh37 (hg19) VCF-style: chr7-94050355-G-A.
Other names: short protein forms R777H.
Identifiers: ClinVar variation 946407 (VCV000946407.35), dbSNP rs746187799, ClinGen allele CA4347391.

ClinVar aggregate classification (germline): Uncertain significance. Review status: criteria provided, multiple submitters, no conflicts (2 of 4 stars). 4 submissions from 4 submitters: Uncertain significance (4). Last evaluated 2025-08-11.

Conditions:
Ehlers-Danlos syndrome, classic type, 1 (EDSCL1). Also called: Ehlers-Danlos syndrome, type 1; EDS I; EHLERS-DANLOS SYNDROME, GRAVIS TYPE; EHLERS-DANLOS SYNDROME, SEVERE CLASSIC TYPE; Ehlers-Danlos Syndrome, Classic Type, COL5A1-Related. Identifiers: MedGen C0268335, MONDO:0019567, OMIM 130000.
Osteogenesis imperfecta type I (OI1). Also called: Osteogenesis imperfecta type 1; Lobstein's Disease; OI, TYPE I; OSTEOGENESIS IMPERFECTA TARDA; OSTEOGENESIS IMPERFECTA WITH BLUE SCLERAE; Lobstein disease. Identifiers: Orphanet 216796, Orphanet 666, MedGen C0023931, MONDO:0008146, OMIM 166200. Disease mechanism: loss of function.
Cardiovascular phenotype. Identifiers: MedGen CN230736.

Allele frequency attached by ClinVar (database versions not stated): ExAC 0.00002; gnomAD 0.00002; gnomAD exomes 0.00002.
gnomAD v4.1: 27 of 1,614,068 alleles (0.0017%); highest among the groups gnomAD compares: East Asian, 0.0067%; no homozygotes.

Submissions (4):

Labcorp Genetics (formerly Invitae), Labcorp
Classification: Uncertain significance for Osteogenesis imperfecta type I; Ehlers-Danlos syndrome, classic type, 1. Last evaluated: 2025-08-11. Review status: criteria provided, single submitter. Criteria: Invitae Variant Classification Sherloc (09022015). Collection method: clinical testing. Allele origin: germline.
Comment: This sequence change replaces arginine, which is basic and polar, with histidine, which is basic and polar, at codon 777 of the COL1A2 protein (p.Arg777His). This variant is present in population databases (rs746187799, gnomAD 0.02%). This missense change has been observed in individual(s) with osteogenesis imperfecta (PMID: 28725987). ClinVar contains an entry for this variant (Variation ID: 946407). Invitae Evidence Modeling of protein sequence and biophysical properties (such as structural, functional, and spatial information, amino acid conservation, physicochemical variation, residue mobility, and thermodynamic stability) has been performed for this missense variant. However, the output from this modeling did not meet the statistical confidence thresholds required to predict the impact of this variant on COL1A2 protein function. In summary, the available evidence is currently insufficient to determine the role of this variant in disease. Therefore, it has been classified as a Variant of Uncertain Significance.

Revvity Omics, Revvity
Classification: Uncertain significance. Last evaluated: 2025-05-06. Review status: criteria provided, single submitter. Criteria: ACMG Guidelines, 2015. Collection method: clinical testing. Allele origin: germline.

CeGaT Center for Human Genetics Tuebingen
Classification: Uncertain significance. Last evaluated: 2024-02-01. Review status: criteria provided, single submitter. Criteria: CeGaT Center For Human Genetics Tuebingen Variant Classification Criteria Version 2. Collection method: clinical testing. Allele origin: germline. Affected: yes. Observed: 1 variant allele.

Ambry Genetics
Classification: Uncertain significance for Cardiovascular phenotype. Last evaluated: 2023-08-08. Review status: criteria provided, single submitter. Criteria: Ambry Variant Classification Scheme 2023. Collection method: clinical testing. Allele origin: germline.
Comment: The p.R777H variant (also known as c.2330G>A), located in coding exon 38 of the COL1A2 gene, results from a G to A substitution at nucleotide position 2330. The arginine at codon 777 is replaced by histidine, an amino acid with highly similar properties. This amino acid position is highly conserved in available vertebrate species. In addition, the in silico prediction for this alteration is inconclusive. Since supporting evidence is limited at this time, the clinical significance of this alteration remains unclear.

Literature cited by the submitters: PubMed 28725987 (cited by Labcorp Genetics (formerly Invitae), Labcorp and Ambry Genetics); PubMed 31566912 (cited by Ambry Genetics); PubMed 37270749 (cited by Ambry Genetics).